The following is an entry in ClinVar:

Single allele

Variant type: Deletion.
Identifiers: ClinVar variation 157307 (VCV000157307.2).

ClinVar aggregate classification (germline): not provided (0 of 4 stars; one submission).

Conditions:
Normal pregnancy. Identifiers: MedGen C0232989.

Submission:

Institute of Molecular and Cell Biology, University of Tartu
No classification provided. Condition: Normal pregnancy. Review status: no classification provided. Collection method: case-control. Allele origin: unknown. Affected: yes. Study: Kasak2014.
Comment: The study aimed to determine the contribution of copy number variants in the genetic etiology of normal and complicated pregnancies. The samples represented (i) maternal blood DNA drawn from healthy pregnant women during 1st or 2nd trimester and (ii) maternal and paternal blood DNA drawn at term pregnancy cases representing normal and complicated gestations (severe preeclampsia, PE; gestational diabetes, GD; small-for-gestational age newborn, SGA; large-for-gestational age newborn, LGA). We performed CNV calling based on genome-wide genotyping dataset (Illumina HumanOmniExpress-24-v1 BeadChip) by applying three algorithms, QuantiSNP, GADA (Genome Alteration Detection Algorithm) and CNstream in parallel. The acquired CNV calls were merged with HD-CNV (Hotspot Detector for Copy Number Variants) program and only the CNVs predicted by at least two programs, were considered in subsequent analysis.

Literature cited by the submitters: PubMed 25666259.